The following is an entry in ClinVar:

ClinVar aggregate classification (germline): Likely benign (1 of 4 stars; one submission).

Allele frequency attached by ClinVar (database versions not stated): gnomAD exomes below 0.00001; gnomAD 0.00001.
gnomAD v4.1: 7 of 1,613,750 alleles (0.00043%); highest among the groups gnomAD compares: Non-Finnish European, 0.00059%; no homozygotes.

Submission:

GeneDx
Classification: Likely benign. Last evaluated: 2022-01-11. Review status: criteria provided, single submitter. Criteria: GeneDx Variant Classification Process June 2021. Collection method: clinical testing. Allele origin: germline. Affected: yes.
Comment: See Variant Classification Assertion Criteria.

NM_022095.4(ZNF335):c.1665G>A (p.Pro555=)

Gene: ZNF335 (zinc finger protein 335; minus strand). Cytogenetic location: 20q13.12.
Variant type: single nucleotide variant.
Coding change: c.1665G>A on transcript NM_022095.4 (MANE Select); coding-DNA position 1665, G replaced by A.
Protein change: p.Pro555=; no amino-acid change (proline 555 retained).
Molecular consequence: synonymous variant.
Genome position (GRCh38, 1-based): chr20:45,960,864, C>T on the plus strand (G>A on the coding strand, the complement: ZNF335 is on the minus strand). VCF-style: chr20-45960864-C-T. GRCh37 (hg19) VCF-style: chr20-44589503-C-T.
Identifiers: ClinVar variation 1309032 (VCV001309032.3), dbSNP rs1201395437, ClinGen allele CA510658833.
Genomic context (GRCh38, chr20:45,960,864, plus strand): 5'-CTCACCCCCATAAACAACCCCCGGGCAGGTTCCCTTCCCAGGCCAGCACGCCAGACTCAC[C>T]GGATCTGGCCTCTTCTTCCTGTGGGGAAAAGGCCGAGGAATTAGACCAGAGCTTCCCCAA-3'
Protein context (NP_071378.1, residues 545-565): HSRDRKKRPD[Pro555=]TPKLSSFPCP